The following is an entry in ClinVar:

NM_138694.4(PKHD1):c.2707del (p.His903fs)

Gene: PKHD1 (PKHD1 ciliary IPT domain containing fibrocystin/polyductin; minus strand). Cytogenetic location: 6p12.2.
Variant type: Deletion.
Coding change: c.2707del on transcript NM_138694.4 (MANE Select); coding-DNA position 2707, one base deleted (C; older notation c.2707delC).
Protein change: p.His903fs; shifts the reading frame from histidine 903.
Molecular consequence: frameshift variant.
Genome position (GRCh38, 1-based): chr6:52,044,974, G deleted on the plus strand (C on the coding strand, the reverse complement: PKHD1 is on the minus strand). VCF-style (leftmost placement, unchanged base first): chr6-52044973-TG-T. GRCh37 (hg19) VCF-style: chr6-51909771-TG-T.
Other names: c.2707del, p.His903fs (NM_170724.3); short protein forms H903fs.
Identifiers: ClinVar variation 4816616 (VCV004816616.1).
Genomic context (GRCh38, chr6:52,044,973, plus strand): 5'-TGAGTTAGACTTGAAACTGGAGCTTGCACTTAGGGTGGCCCATTCACTCTCACCTGAGTA[TG>T]CTGGTTGGCAGTAGCCAACATGTCTCCAAATATGGGTCCAAGAAAAACTCCACCATCATA-3'

ClinVar aggregate classification (germline): Likely pathogenic (1 of 4 stars; one submission).

Conditions:
Autosomal recessive polycystic kidney disease (ARPKD). Also called: AR polycystic kidney disease. Identifiers: Orphanet 731, Orphanet 8378, MedGen C0085548, MeSH D017044, MONDO:0009889.

Submission:

Natera, Inc.
Classification: Likely pathogenic for Autosomal recessive polycystic kidney disease. Last evaluated: 2025-03-18. Review status: criteria provided, single submitter. Criteria: Natera Variant Classification Schema (03/2026). Collection method: clinical testing. Allele origin: germline.
Comment: The c.2707delC variant in PKHD1 is a frameshift variant predicted to shift the reading frame beginning at codon 903 and leads to a stop codon 8 codons downstream. This variant is expected to result in nonsense mediated decay, truncation, or a dysfunctional protein product. This variant is rare in the general population with a frequency below the threshold expected for the associated phenotype(s). Given the available evidence, this variant is classified as Likely Pathogenic.